The following is an entry in ClinVar:

ClinVar aggregate classification (germline): Likely benign. Review status: criteria provided, multiple submitters, no conflicts (2 of 4 stars). 6 submissions from 6 submitters: Likely benign (6). Last evaluated 2026-05-11.

Conditions:
NOTCH3-related disorder. Also called: NOTCH3-related disorders; NOTCH3-related condition.

Allele frequency attached by ClinVar (database versions not stated): TOPMed 0.00003; ExAC 0.00005; gnomAD 0.00006.

Submissions (6):

Women's Health and Genetics/Laboratory Corporation of America, LabCorp
Classification: Likely benign. Last evaluated: 2026-05-11. Review status: criteria provided, single submitter. Criteria: LabCorp Variant Classification Summary - May 2015. Collection method: clinical testing. Allele origin: germline.
Comment: Variant summary: NOTCH3 c.1578C>G alters a conserved nucleotide resulting in a synonymous change. Consensus agreement among computation tools predict no significant impact on normal splicing. However, these predictions have yet to be confirmed by functional studies. The variant allele was found at a frequency of 1.9e-05 in 155590 control chromosomes. The available data on variant occurrences in the general population are insufficient to allow any conclusion about variant significance. To our knowledge, no occurrence of c.1578C>G in individuals affected with NOTCH3-related conditions and no experimental evidence demonstrating its impact on protein function have been reported. ClinVar contains an entry for this variant (Variation ID: 771618). Based on the evidence outlined above, the variant was classified as likely benign.

Athena Diagnostics
Classification: Likely benign. Last evaluated: 2025-08-29. Review status: criteria provided, single submitter. Criteria: Athena Diagnostics Criteria. Collection method: clinical testing. Allele origin: unknown.
Comment: Computational tools yielded predictions that this variant is unlikely to have an effect on normal RNA splicing. This nucleotide position exhibits low evolutionary conservation.

PreventionGenetics, part of Exact Sciences
Classification: Likely benign for NOTCH3-related condition. Last evaluated: 2025-08-10. Review status: criteria provided, single submitter. Criteria: ACMG Guidelines, 2015. Collection method: clinical testing. Allele origin: germline.
Comment: This variant is classified as likely benign based on ACMG/AMP sequence variant interpretation guidelines (Richards et al. 2015 PMID: 25741868, with internal and published modifications).

Blueprint Genetics
Classification: Likely benign. Last evaluated: 2024-11-27. Review status: criteria provided, single submitter. Criteria: ACMG Guidelines, 2015. Collection method: clinical testing. Allele origin: germline.

ARUP Laboratories, Molecular Genetics and Genomics, ARUP Laboratories
Classification: Likely benign. Last evaluated: 2024-05-10. Review status: criteria provided, single submitter. Criteria: ARUP Molecular Germline Variant Investigation Process 2024. Collection method: clinical testing. Allele origin: germline.

Labcorp Genetics (formerly Invitae), Labcorp
Classification: Likely benign. Last evaluated: 2023-08-17. Review status: criteria provided, single submitter. Criteria: Invitae Variant Classification Sherloc (09022015). Collection method: clinical testing. Allele origin: germline.

NM_000435.3(NOTCH3):c.1578C>G (p.Pro526=)

Gene: NOTCH3 (notch receptor 3; minus strand). Cytogenetic location: 19p13.12.
Variant type: single nucleotide variant.
Coding change: c.1578C>G on transcript NM_000435.3 (MANE Select); coding-DNA position 1578, C replaced by G.
Protein change: p.Pro526=; no amino-acid change (proline 526 retained).
Molecular consequence: synonymous variant.
Genome position (GRCh38, 1-based): chr19:15,187,909, G>C on the plus strand (C>G on the coding strand, the complement: NOTCH3 is on the minus strand). VCF-style: chr19-15187909-G-C. GRCh37 (hg19) VCF-style: chr19-15298720-G-C.
Identifiers: ClinVar variation 771618 (VCV000771618.14), dbSNP rs775208731, ClinGen allele CA9263611.
Genomic context (GRCh38, chr19:15,187,909, plus strand): 5'-ATTCTTGTCGGACTGTCATTGGCCCGCCTCACCCTCGGCACAGCGGCACTCGTAGCCATC[G>C]GGCTGGTCCACGCATTTGGCGCCATTCCTGCAGGGCGTGCTGGCGCATTCGTCCACGTCC-3'
Protein context (NP_000426.2, residues 516-536): CRNGAKCVDQ[Pro526=]DGYECRCAEG